The following is an entry in ClinVar:

NM_001379500.1(COL18A1):c.624G>A (p.Ala208=)

Gene: COL18A1 (collagen type XVIII alpha 1 chain; plus strand). Cytogenetic location: 21q22.3.
Variant type: single nucleotide variant.
Coding change: c.624G>A on transcript NM_001379500.1 (MANE Select); coding-DNA position 624, G replaced by A.
Protein change: p.Ala208=; no amino-acid change (alanine 208 retained).
Molecular consequence: synonymous variant.
Genome position (GRCh38, 1-based): chr21:45,468,759, G>A. VCF-style: chr21-45468759-G-A. GRCh37 (hg19) VCF-style: chr21-46888673-G-A.
Other names: NM_130445.2:c.624G>A; c.1164G>A, p.Ala388= (NM_030582.4); c.1869G>A, p.Ala623= (NM_130444.3).
Identifiers: ClinVar variation 340198 (VCV000340198.16), dbSNP rs76148908, ClinGen allele CA10065804.

ClinVar aggregate classification (germline): Benign. Review status: criteria provided, multiple submitters, no conflicts (2 of 4 stars). 4 submissions from 4 submitters: Benign (4). Last evaluated 2026-02-03.

Conditions:
Knobloch syndrome (KNO). Also called: RETINAL DETACHMENT AND OCCIPITAL ENCEPHALOCELE; Myopia retinal detachment encephalocele. Identifiers: Orphanet 1571, MedGen C1849409, MONDO:0800166.

Allele frequency attached by ClinVar (database versions not stated): ESP Exome Variant Server 0.03010; 1000 Genomes Project 0.03075; TOPMed 0.03199; 1000 Genomes Project 30x 0.03295.
gnomAD v4.1: 9,234 of 1,603,612 alleles (0.58%); highest among the groups gnomAD compares: African/African-American, 10%; 421 homozygotes.

Submissions (4):

Labcorp Genetics (formerly Invitae), Labcorp
Classification: Benign. Last evaluated: 2026-02-03. Review status: criteria provided, single submitter. Criteria: Invitae Variant Classification Sherloc (09022015). Collection method: clinical testing. Allele origin: germline.

GeneDx
Classification: Benign. Last evaluated: 2021-05-05. Review status: criteria provided, single submitter. Criteria: GeneDx Variant Classification Process June 2021. Collection method: clinical testing. Allele origin: germline. Affected: yes.

Illumina Laboratory Services, Illumina
Classification: Benign for Knobloch syndrome 1. Last evaluated: 2018-01-12. Review status: criteria provided, single submitter. Criteria: ICSL Variant Classification Criteria 13 December 2019. Collection method: clinical testing. Allele origin: germline.
Comment: This variant was observed in the ICSL laboratory as part of a predisposition screen in an ostensibly healthy population. It had not been previously curated by ICSL or reported in the Human Gene Mutation Database (HGMD: prior to June 1st, 2018), and was therefore a candidate for classification through an automated scoring system. Utilizing variant allele frequency, disease prevalence and penetrance estimates, and inheritance mode, an automated score was calculated to assess if this variant is too frequent to cause the disease. Based on the score and internal cut-off values, a variant classified as benign is not then subjected to further curation. The score for this variant resulted in a classification of benign for this disease.

Breakthrough Genomics
Classification: Benign. Review status: criteria provided, single submitter. Criteria: ACMG Guidelines, 2015. Collection method: not provided. Allele origin: germline. Inheritance: Autosomal recessive inheritance. Affected: yes.